The following is an entry in ClinVar:

NM_001844.5(COL2A1):c.3327+15G>A

Gene: COL2A1 (collagen type II alpha 1 chain; minus strand). Cytogenetic location: 12q13.11.
Variant type: single nucleotide variant.
Coding change: c.3327+15G>A on transcript NM_001844.5 (MANE Select); 15 bases into the intron after coding-DNA position 3327, G replaced by A.
Molecular consequence: intron variant.
Genome position (GRCh38, 1-based): chr12:47,977,087, C>T on the plus strand (G>A on the coding strand, the complement: COL2A1 is on the minus strand). VCF-style: chr12-47977087-C-T. GRCh37 (hg19) VCF-style: chr12-48370870-C-T.
Other names: c.3120+15G>A (NM_033150.3).
Identifiers: ClinVar variation 668315 (VCV000668315.9), dbSNP rs925627565, ClinGen allele CA236520795.

ClinVar aggregate classification (germline): Likely benign. Review status: criteria provided, multiple submitters, no conflicts (2 of 4 stars). 3 submissions from 3 submitters: Likely benign (3). Last evaluated 2025-09-10.

Allele frequency attached by ClinVar (database versions not stated): gnomAD 0.00001; gnomAD exomes 0.00002; TOPMed 0.00002.
gnomAD v4.1: 37 of 1,601,260 alleles (0.0023%); highest among the groups gnomAD compares: Admixed American, 0.007%; no homozygotes.

Submissions (3):

Labcorp Genetics (formerly Invitae), Labcorp
Classification: Likely benign. Last evaluated: 2025-09-10. Review status: criteria provided, single submitter. Criteria: Invitae Variant Classification Sherloc (09022015). Collection method: clinical testing. Allele origin: germline.

Blueprint Genetics
Classification: Likely benign. Last evaluated: 2021-10-13. Review status: criteria provided, single submitter. Criteria: ACMG Guidelines, 2015. Collection method: clinical testing. Allele origin: germline.

GeneDx
Classification: Likely benign. Last evaluated: 2018-05-16. Review status: criteria provided, single submitter. Criteria: GeneDx Variant Classification (06012015). Collection method: clinical testing. Allele origin: germline. Affected: yes.
Comment: This variant is considered likely benign or benign based on one or more of the following criteria: it is a conservative change, it occurs at a poorly conserved position in the protein, it is predicted to be benign by multiple in silico algorithms, and/or has population frequency not consistent with disease.